The following is an entry in ClinVar:

NM_001453.3(FOXC1):c.1478C>T (p.Ala493Val)

Gene: FOXC1 (forkhead box C1; plus strand). Cytogenetic location: 6p25.3.
Variant type: single nucleotide variant.
Coding change: c.1478C>T on transcript NM_001453.3 (MANE Select); coding-DNA position 1478, C replaced by T.
Protein change: p.Ala493Val; replaces alanine 493 with valine.
Molecular consequence: missense variant.
Genome position (GRCh38, 1-based): chr6:1,611,923, C>T. VCF-style: chr6-1611923-C-T. GRCh37 (hg19) VCF-style: chr6-1612158-C-T.
Other names: short protein forms A493V.
Identifiers: ClinVar variation 3703446 (VCV003703446.3).

ClinVar aggregate classification (germline): Uncertain significance. Review status: criteria provided, multiple submitters, no conflicts (2 of 4 stars). 2 submissions from 2 submitters: Uncertain significance (2). Last evaluated 2024-12-27.

Conditions:
Axenfeld-Rieger syndrome type 3 (RIEG3). Also called: AXENFELD-RIEGER ANOMALY WITH CARDIAC DEFECTS AND/OR SENSORINEURAL HEARING LOSS. Identifiers: Orphanet 782, MedGen C2678503, MONDO:0011233, OMIM 602482.

Submissions (2):

Labcorp Genetics (formerly Invitae), Labcorp
Classification: Uncertain significance for Axenfeld-Rieger syndrome type 3. Last evaluated: 2024-12-27. Review status: criteria provided, single submitter. Criteria: Invitae Variant Classification Sherloc (09022015). Collection method: clinical testing. Allele origin: germline.
Comment: This sequence change replaces alanine, which is neutral and non-polar, with valine, which is neutral and non-polar, at codon 493 of the FOXC1 protein (p.Ala493Val). This variant is present in population databases (no rsID available, gnomAD 0.009%). This variant has not been reported in the literature in individuals affected with FOXC1-related conditions. An algorithm developed to predict the effect of missense changes on protein structure and function (PolyPhen-2) suggests that this variant is likely to be disruptive. In summary, the available evidence is currently insufficient to determine the role of this variant in disease. Therefore, it has been classified as a Variant of Uncertain Significance.

Revvity Omics, Revvity
Classification: Uncertain significance. Last evaluated: 2024-01-31. Review status: criteria provided, single submitter. Criteria: ACMG Guidelines, 2015. Collection method: clinical testing. Allele origin: germline.